The following is an entry in ClinVar:

ClinVar aggregate classification (germline): Uncertain significance (1 of 4 stars; one submission).

Allele frequency attached by ClinVar (database versions not stated): gnomAD exomes below 0.00001 and 0.00002; ExAC 0.00001; TOPMed 0.00006; gnomAD 0.00007 and 0.00006; ESP Exome Variant Server 0.00015.
gnomAD v4.1: 17 of 1,614,098 alleles (0.0011%); highest among the groups gnomAD compares: African/African-American, 0.016%; no homozygotes.

Submission:

Labcorp Genetics (formerly Invitae), Labcorp
Classification: Uncertain significance. Last evaluated: 2026-01-24. Review status: criteria provided, single submitter. Criteria: Invitae Variant Classification Sherloc (09022015). Collection method: clinical testing. Allele origin: germline.
Comment: This sequence change replaces asparagine, which is neutral and polar, with histidine, which is basic and polar, at codon 61 of the LAMTOR2 protein (p.Asn61His). This variant is present in population databases (rs148776237, gnomAD 0.02%). This variant has not been reported in the literature in individuals affected with LAMTOR2-related conditions. ClinVar contains an entry for this variant (Variation ID: 1494814). An algorithm developed to predict the effect of missense changes on protein structure and function (PolyPhen-2) suggests that this variant is likely to be tolerated. In summary, the available evidence is currently insufficient to determine the role of this variant in disease. Therefore, it has been classified as a Variant of Uncertain Significance.

NM_014017.4(LAMTOR2):c.181A>C (p.Asn61His)

Genes: LAMTOR2 (late endosomal/lysosomal adaptor, MAPK and MTOR activator 2; plus strand), LOC129931594 (ATAC-STARR-seq lymphoblastoid active region 1836; plus strand). Cytogenetic location: 1q22.
Variant type: single nucleotide variant.
Coding change: c.181A>C on transcript NM_014017.4 (MANE Select); coding-DNA position 181, A replaced by C.
Protein change: p.Asn61His; replaces asparagine 61 with histidine.
Molecular consequence: missense variant.
Genome position (GRCh38, 1-based): chr1:156,055,375, A>C. VCF-style: chr1-156055375-A-C. GRCh37 (hg19) VCF-style: chr1-156025166-A-C.
Other names: c.181A>C, p.Asn61His (NM_001145264.2); short protein forms N61H.
Identifiers: ClinVar variation 1494814 (VCV001494814.8), dbSNP rs148776237, ClinGen allele CA1154326.